The following is an entry in ClinVar:

NM_001042492.3(NF1):c.731-14T>G

Gene: NF1 (neurofibromin 1; plus strand). Cytogenetic location: 17q11.2.
Variant type: single nucleotide variant.
Coding change: c.731-14T>G on transcript NM_001042492.3 (MANE Select); 14 bases into the intron before coding-DNA position 731, T replaced by G.
Molecular consequence: intron variant.
Genome position (GRCh38, 1-based): chr17:31,182,494, T>G. VCF-style: chr17-31182494-T-G. GRCh37 (hg19) VCF-style: chr17-29509512-T-G.
Other names: c.731-14T>G (NM_000267.4, NM_001128147.3).
Identifiers: ClinVar variation 816724 (VCV000816724.3), dbSNP rs1597659694, ClinGen allele CA915949765.

ClinVar aggregate classification (germline): Pathogenic/Likely pathogenic. Review status: criteria provided, multiple submitters, no conflicts (2 of 4 stars). 2 submissions from 2 submitters: Pathogenic (1); Likely pathogenic (1). Last evaluated 2024-08-13.

Conditions:
Neurofibromatosis, type 1 (NF1). Also called: Peripheral type neurofibromatosis; Neurofibromatosis, type I; NEUROFIBROMATOSIS, TYPE I, SOMATIC; VON RECKLINGHAUSEN DISEASE. Identifiers: Orphanet 636, MedGen C0027831, MONDO:0018975, OMIM 162200. Disease mechanism: loss of function.

Submissions (2):

GeneDx
Classification: Likely pathogenic. Last evaluated: 2024-08-13. Review status: criteria provided, single submitter. Criteria: GeneDx Variant Classification Process June 2021. Collection method: clinical testing. Allele origin: germline. Affected: yes.
Comment: Published functional studies demonstrate a damaging effect: associated with production of two aberrant transcripts both predicted to result in protein truncation and/or nonsense-mediated decay (PMID: 32126153); Not observed at significant frequency in large population cohorts (gnomAD); In silico analysis supports a deleterious effect on splicing; This variant is associated with the following publications: (PMID: 32126153)

UAB Medical Genomics Laboratory, UAB Medicine
Classification: Pathogenic for Neurofibromatosis, type 1. Last evaluated: 2020-01-20. Review status: criteria provided, single submitter. Criteria: ACMG Guidelines, 2015. Collection method: clinical testing. Allele origin: germline. Affected: yes.

Literature cited by the submitters: PubMed 32126153 (cited by UAB Medical Genomics Laboratory, UAB Medicine).